The following is an entry in ClinVar:

ClinVar aggregate classification (germline): Likely pathogenic (1 of 4 stars; one submission).

Conditions:
Hereditary pancreatitis (PCTT). Also called: PRSS1-Related Hereditary Pancreatitis; Hereditary chronic pancreatitis. Identifiers: Orphanet 676, MedGen C0238339, MONDO:0008185, OMIM 167800.

Submission:

Labcorp Genetics (formerly Invitae), Labcorp
Classification: Likely pathogenic for Hereditary pancreatitis. Last evaluated: 2016-12-21. Review status: criteria provided, single submitter. Criteria: Invitae Variant Classification Sherloc (09022015). Collection method: clinical testing. Allele origin: germline.
Comment: A gross duplication of the genomic region encompassing the full coding sequence of the PRSS1 gene has been identified. The boundaries of this event are unknown as the duplication extends beyond the assayed region for this gene and therefore may encompass additional genes. As the precise location of this duplication is unknown, it may be in tandem or it may be located elsewhere in the genome. Duplications and triplications of the whole PRSS1 sequence have been reported in individuals affected with idiopathic chronic pancreatitis (PMID: 18063422, 19584086). An increased expression of trypsinogen resulting from an increased gene dosage of PRSS1 is consistent with the current understanding of the role of trypsin in the etiology of chronic pancreatitis. However, the exact genomic location of this variant is unknown, and, consequently, it is not known whether the duplicated copy is expressed. Therefore, it has been classified as Likely Pathogenic.

NC_000007.13:g.(?_142457319)_(142460927_?)dup

Genes: PRSS1 (serine protease 1; plus strand), TRB (T cell receptor beta locus; plus strand). Cytogenetic location: 7q34.
Variant type: Duplication.
Identifiers: ClinVar variation 417552 (VCV000417552.1).